The following is an entry in ClinVar:

ClinVar aggregate classification (germline): Uncertain significance. Review status: criteria provided, multiple submitters, no conflicts (2 of 4 stars). 2 submissions from 2 submitters: Uncertain significance (2). Last evaluated 2025-08-03.

Conditions:
Inborn genetic diseases. Identifiers: MedGen C0950123, MeSH D030342.

Allele frequency attached by ClinVar (database versions not stated): ExAC 0.00001; gnomAD 0.00001.
gnomAD v4.1: 4 of 1,613,770 alleles (0.00025%); highest among the groups gnomAD compares: African/African-American, 0.0027%; no homozygotes.

Submissions (2):

Ambry Genetics
Classification: Uncertain significance for Inborn genetic diseases. Last evaluated: 2025-08-03. Review status: criteria provided, single submitter. Criteria: Ambry Variant Classification Scheme 2023. Collection method: clinical testing. Allele origin: germline.

Labcorp Genetics (formerly Invitae), Labcorp
Classification: Uncertain significance. Last evaluated: 2022-07-30. Review status: criteria provided, single submitter. Criteria: Invitae Variant Classification Sherloc (09022015). Collection method: clinical testing. Allele origin: germline.
Comment: This sequence change replaces arginine, which is basic and polar, with tryptophan, which is neutral and slightly polar, at codon 33 of the SFRP4 protein (p.Arg33Trp). This variant is present in population databases (rs759575847, gnomAD 0.0009%). This variant has not been reported in the literature in individuals affected with SFRP4-related conditions. Algorithms developed to predict the effect of missense changes on protein structure and function are either unavailable or do not agree on the potential impact of this missense change (SIFT: "Deleterious"; PolyPhen-2: "Possibly Damaging"; Align-GVGD: "Class C15"). In summary, the available evidence is currently insufficient to determine the role of this variant in disease. Therefore, it has been classified as a Variant of Uncertain Significance.

NM_003014.4(SFRP4):c.97C>T (p.Arg33Trp)

Gene: SFRP4 (secreted frizzled related protein 4; minus strand). Cytogenetic location: 7p14.1.
Variant type: single nucleotide variant.
Coding change: c.97C>T on transcript NM_003014.4 (MANE Select); coding-DNA position 97, C replaced by T.
Protein change: p.Arg33Trp; replaces arginine 33 with tryptophan.
Molecular consequence: missense variant.
Genome position (GRCh38, 1-based): chr7:37,916,441, G>A on the plus strand (C>T on the coding strand, the complement: SFRP4 is on the minus strand). VCF-style: chr7-37916441-G-A. GRCh37 (hg19) VCF-style: chr7-37956043-G-A.
Other names: c.97C>T (NM_003014.3); short protein forms R33W.
Identifiers: ClinVar variation 2086125 (VCV002086125.2), dbSNP rs759575847, ClinGen allele CA4222952.